The following is an entry in ClinVar:

NM_000363.5(TNNI3):c.109-15A>G

Gene: TNNI3 (troponin I3, cardiac type; minus strand). Cytogenetic location: 19q13.42.
Variant type: single nucleotide variant.
Coding change: c.109-15A>G on transcript NM_000363.5 (MANE Select); 15 bases into the intron before coding-DNA position 109, A replaced by G.
Molecular consequence: intron variant.
Genome position (GRCh38, 1-based): chr19:55,156,659, T>C on the plus strand (A>G on the coding strand, the complement: TNNI3 is on the minus strand). VCF-style: chr19-55156659-T-C. GRCh37 (hg19) VCF-style: chr19-55668027-T-C.
Identifiers: ClinVar variation 229330 (VCV000229330.16), dbSNP rs779144176, ClinGen allele CA050006.
Genomic context (GRCh38, chr19:55,156,659, plus strand): 5'-TCACCTTCAGCTGCAATTTTCTCGAGGCGGAGATCTTAGATTTTTTCTGCCAGGGTGAGA[T>C]GGAGCAAGGAAGGATCATGGAGGGGGATTCGGAGACGACGGTGGAGGGGACCTCAAGACA-3'

ClinVar aggregate classification (germline): Conflicting classifications of pathogenicity. Review status: criteria provided, conflicting classifications (1 of 4 stars). 8 submissions from 5 submitters: Uncertain significance (5); Likely benign (3). Last evaluated 2026-02-02.

Conditions:
Familial Hypertrophic Cardiomyopathy with Wolff-Parkinson-White Syndrome. Identifiers: MedGen CN239247.
Hypertrophic cardiomyopathy 7. Also called: TNNI3-Related Familial Hypertrophic Cardiomyopathy; Familial hypertrophic cardiomyopathy 7; CARDIOMYOPATHY, FAMILIAL HYPERTROPHIC, 7, MODIFIER OF. Identifiers: MedGen C1860752, MONDO:0013369, OMIM 613690.
Cardiomyopathy, familial restrictive, 1. Identifiers: Orphanet 75249, MedGen C1861861, MONDO:0007270, OMIM 115210.
Dilated cardiomyopathy 2A (CMD2A). Also called: CARDIOMYOPATHY, CONGESTIVE, AUTOSOMAL RECESSIVE; CARDIOMYOPATHY, DILATED, AUTOSOMAL RECESSIVE. Identifiers: Orphanet 154, MedGen C2678474, MONDO:0012746, OMIM 611880.
Hypertrophic cardiomyopathy. Also called: HYPERTROPHIC MYOCARDIOPATHY. Identifiers: Orphanet 217569, MedGen C0007194, MeSH D002312, MONDO:0005045, HP:0001639.
Cardiomyopathy (CMYO). Also called: Cardiomyopathies. Identifiers: Orphanet 167848, MedGen C0878544, MONDO:0004994, HP:0001638. Inheritance: Various modes of inheritance.

Allele frequency attached by ClinVar (database versions not stated): ExAC below 0.00001.

Submissions (8):

Labcorp Genetics (formerly Invitae), Labcorp
Classification: Likely benign for Hypertrophic cardiomyopathy. Last evaluated: 2026-02-02. Review status: criteria provided, single submitter. Criteria: Invitae Variant Classification Sherloc (09022015). Collection method: clinical testing. Allele origin: germline.

All of Us Research Program, National Institutes of Health
Classification: Likely benign for Hypertrophic cardiomyopathy. Last evaluated: 2023-08-15. Review status: criteria provided, single submitter. Criteria: ACMG Guidelines, 2015. Collection method: clinical testing. Allele origin: germline. Inheritance: Autosomal dominant inheritance. Observed: 1 variant allele, 1 heterozygote.
Comment: This study involves interpretation of variants in research participants for the purpose of population health screening. Participant phenotype was not available at the time of variant classification. Additional details can be found in publication PMID: 35346344, PMCID: PMC8962531

Color Diagnostics, LLC DBA Color Health
Classification: Likely benign for Cardiomyopathy. Last evaluated: 2019-03-08. Review status: criteria provided, single submitter. Criteria: ACMG Guidelines, 2015. Collection method: clinical testing. Allele origin: germline.

Illumina Laboratory Services, Illumina
Classification: Uncertain significance for Cardiomyopathy, familial restrictive, 1. Last evaluated: 2017-04-27. Review status: criteria provided, single submitter. Criteria: ICSL Variant Classification Criteria 13 December 2019. Collection method: clinical testing. Allele origin: germline.

Illumina Laboratory Services, Illumina
Classification: Uncertain significance for Familial Hypertrophic Cardiomyopathy with Wolff-Parkinson-White Syndrome. Last evaluated: 2017-04-27. Review status: criteria provided, single submitter. Criteria: ICSL Variant Classification Criteria 13 December 2019. Collection method: clinical testing. Allele origin: germline.

Illumina Laboratory Services, Illumina
Classification: Uncertain significance for Hypertrophic cardiomyopathy 7. Last evaluated: 2017-04-27. Review status: criteria provided, single submitter. Criteria: ICSL Variant Classification Criteria 13 December 2019. Collection method: clinical testing. Allele origin: germline.

Illumina Laboratory Services, Illumina
Classification: Uncertain significance for Dilated cardiomyopathy 2A. Last evaluated: 2017-04-27. Review status: criteria provided, single submitter. Criteria: ICSL Variant Classification Criteria 13 December 2019. Collection method: clinical testing. Allele origin: germline.

Laboratory for Molecular Medicine, Mass General Brigham Personalized Medicine
Classification: Uncertain significance. Last evaluated: 2015-10-01. Review status: criteria provided, single submitter. Criteria: LMM Criteria. Collection method: clinical testing. Allele origin: germline. Observed: 2 variant alleles.
Comment: The c.109-15A>G variant in TNNI3 has not been previously reported in individuals with cardiomyopathy. Data from large population studies is insufficient to asse ss the frequency of this variant (dbSNP rs779144176). This variant is located in the 3' splice region. Computational tools do not suggest an impact to splicing. However, this information is not predictive enough to rule out pathogenicity. I n summary, the clinical significance of the c.109-15A>G is uncertain.